The following is an entry in ClinVar:

ClinVar aggregate classification (germline): Uncertain significance. Review status: criteria provided, multiple submitters, no conflicts (2 of 4 stars). 5 submissions from 5 submitters: Uncertain significance (5). Last evaluated 2025-12-04.

Conditions:
Seizures, benign familial infantile, 3 (BFIS3). Also called: CONVULSIONS, BENIGN FAMILIAL INFANTILE, 3; Familial neonatal seizures. Identifiers: Orphanet 140927, Orphanet 306, MedGen C1843140, MONDO:0011904, OMIM 607745.
Developmental and epileptic encephalopathy, 11 (DEE11). Also called: Early infantile epileptic encephalopathy 11. Identifiers: Orphanet 1934, MedGen C3150987, MONDO:0013388, OMIM 613721.
Inborn genetic diseases. Identifiers: MedGen C0950123, MeSH D030342.

Allele frequency attached by ClinVar (database versions not stated): ExAC 0.00001; TOPMed 0.00001; gnomAD exomes 0.00002.
gnomAD v4.1: 9 of 1,614,074 alleles (0.00056%); highest among the groups gnomAD compares: Admixed American, 0.0067%; no homozygotes.

Submissions (5):

Ambry Genetics
Classification: Uncertain significance for Inborn genetic diseases. Last evaluated: 2025-12-04. Review status: criteria provided, single submitter. Criteria: Ambry Variant Classification Scheme 2023. Collection method: clinical testing. Allele origin: germline.
Comment: The c.3259G>A (p.V1087M) alteration is located in exon 17 (coding exon 16) of the SCN2A gene. This alteration results from a G to A substitution at nucleotide position 3259, causing the valine (V) at amino acid position 1087 to be replaced by a methionine (M). Based on data from gnomAD, the A allele has an overall frequency of 0.002% (4/251402) total alleles studied. The highest observed frequency was 0.009% (3/34590) of Latino alleles. Based on insufficient or conflicting evidence, the clinical significance of this alteration remains unclear.

Labcorp Genetics (formerly Invitae), Labcorp
Classification: Uncertain significance for Seizures, benign familial infantile, 3; Developmental and epileptic encephalopathy, 11. Last evaluated: 2025-02-07. Review status: criteria provided, single submitter. Criteria: Invitae Variant Classification Sherloc (09022015). Collection method: clinical testing. Allele origin: germline.
Comment: This sequence change replaces valine, which is neutral and non-polar, with methionine, which is neutral and non-polar, at codon 1087 of the SCN2A protein (p.Val1087Met). This variant is present in population databases (rs765278777, gnomAD 0.009%). This variant has not been reported in the literature in individuals affected with SCN2A-related conditions. ClinVar contains an entry for this variant (Variation ID: 206984). Invitae Evidence Modeling of protein sequence and biophysical properties (such as structural, functional, and spatial information, amino acid conservation, physicochemical variation, residue mobility, and thermodynamic stability) indicates that this missense variant is not expected to disrupt SCN2A protein function with a negative predictive value of 95%. In summary, the available evidence is currently insufficient to determine the role of this variant in disease. Therefore, it has been classified as a Variant of Uncertain Significance.

Mayo Clinic Laboratories, Mayo Clinic
Classification: Uncertain significance. Last evaluated: 2021-11-26. Review status: criteria provided, single submitter. Criteria: ACMG Guidelines, 2015. Collection method: clinical testing. Allele origin: germline.

Revvity Omics, Revvity
Classification: Uncertain significance. Last evaluated: 2021-02-18. Review status: criteria provided, single submitter. Criteria: ACMG Guidelines, 2015. Collection method: clinical testing. Allele origin: germline.

GeneDx
Classification: Uncertain significance. Last evaluated: 2017-03-02. Review status: criteria provided, single submitter. Criteria: GeneDx Variant Classification (06012015). Collection method: clinical testing. Allele origin: germline. Affected: yes.
Comment: The V1087M variant has not been published as a pathogenic variant, nor has it been reported as a benign variant to our knowledge. It was not observed in approximately 6,500 individuals of European and African American ancestry in the NHLBI Exome Sequencing Project, indicating it is not a common benign variant in these populations. The V1087M variant is a conservative amino acid substitution, which is not likely to impact secondary protein structure as these residues share similar properties. This substitution alters a position where amino acids with similar properties to Valine are tolerated across species, and is predicted to be in the cytoplasmic loop between the second and third homologous domains. In silico analysis is inconsistent in its predictions as to whether or not the variant is damaging to the protein structure/function. Therefore, based on the currently available information, it is unclear whether this variant is a pathogenic variant or a rare benign variant.

NM_001040142.2(SCN2A):c.3259G>A (p.Val1087Met)

Gene: SCN2A (sodium voltage-gated channel alpha subunit 2; plus strand). Cytogenetic location: 2q24.3.
Variant type: single nucleotide variant.
Coding change: c.3259G>A on transcript NM_001040142.2 (MANE Select); coding-DNA position 3259, G replaced by A.
Protein change: p.Val1087Met; replaces valine 1087 with methionine.
Molecular consequence: missense variant.
Genome position (GRCh38, 1-based): chr2:165,354,531, G>A. VCF-style: chr2-165354531-G-A. GRCh37 (hg19) VCF-style: chr2-166211041-G-A.
Other names: p.V1087M:GTG>ATG; p.Val1087Met; c.3259G>A, p.Val1087Met (NM_001040143.2, NM_001371246.1, NM_001371247.1 and 1 more transcripts); short protein forms V1087M.
Identifiers: ClinVar variation 206984 (VCV000206984.24), dbSNP rs765278777, ClinGen allele CA317918.
Genomic context (GRCh38, chr2:165,354,531, plus strand): 5'-TATCTCAAAGACGGAAATGGAACTACTAGTGGCATAGGCAGCAGTGTAGAAAAATATGTC[G>A]TGGATGAAAGTGATTACATGTCATTTATAAACAACCCTAGCCTCACTGTGACAGTACCAA-3'
Protein context (NP_001035232.1, residues 1077-1097): GIGSSVEKYV[Val1087Met]DESDYMSFIN